The following is an entry in ClinVar:

NM_001287.6(CLCN7):c.774C>T (p.Ala258=)

Gene: CLCN7 (Cl-/H+ antiporter 7; minus strand). Cytogenetic location: 16p13.3.
Variant type: single nucleotide variant.
Coding change: c.774C>T on transcript NM_001287.6 (MANE Select); coding-DNA position 774, C replaced by T.
Protein change: p.Ala258=; no amino-acid change (alanine 258 retained).
Molecular consequence: synonymous variant.
Genome position (GRCh38, 1-based): chr16:1,457,302, G>A on the plus strand (C>T on the coding strand, the complement: CLCN7 is on the minus strand). VCF-style: chr16-1457302-G-A. GRCh37 (hg19) VCF-style: chr16-1507303-G-A.
Other names: c.702C>T, p.Ala234= (NM_001114331.3).
Identifiers: ClinVar variation 737258 (VCV000737258.15), dbSNP rs376136801, ClinGen allele CA7810578.

ClinVar aggregate classification (germline): Conflicting classifications of pathogenicity. Review status: criteria provided, conflicting classifications (1 of 4 stars). 4 submissions from 4 submitters: Uncertain significance (1); Likely benign (2). 1 of the submissions does not count toward it. Last evaluated 2025-10-13.

Conditions:
CLCN7-related disorder. Also called: CLCN7-related condition.
Osteopetrosis. Identifiers: Orphanet 2781, MedGen C0029454, MONDO:0017198, HP:0011002.

Allele frequency attached by ClinVar (database versions not stated): TOPMed 0.00004; 1000 Genomes Project 30x 0.00016; 1000 Genomes Project 0.00020.
gnomAD v4.1: 60 of 1,614,046 alleles (0.0037%); highest among the groups gnomAD compares: South Asian, 0.027%; no homozygotes.

Submissions (4):

Labcorp Genetics (formerly Invitae), Labcorp
Classification: Likely benign. Last evaluated: 2025-10-13. Review status: criteria provided, single submitter. Criteria: Invitae Variant Classification Sherloc (09022015). Collection method: clinical testing. Allele origin: germline.

Blueprint Genetics
Classification: Likely benign. Last evaluated: 2023-06-01. Review status: criteria provided, single submitter. Criteria: ACMG Guidelines, 2015. Collection method: clinical testing. Allele origin: germline.

Illumina Laboratory Services, Illumina
Classification: Uncertain significance for Osteopetrosis. Last evaluated: 2018-01-12. Review status: criteria provided, single submitter. Criteria: ICSL Variant Classification Criteria 13 December 2019. Collection method: clinical testing. Allele origin: germline.

PreventionGenetics, part of Exact Sciences
Classification: Likely benign for CLCN7-related condition. Last evaluated: 2019-08-14. Review status: no assertion criteria provided. Collection method: clinical testing. Allele origin: germline. Not counted in ClinVar's aggregate classification.
Comment: This variant is classified as likely benign based on ACMG/AMP sequence variant interpretation guidelines (Richards et al. 2015 PMID: 25741868, with internal and published modifications).